The following is an entry in ClinVar:

ClinVar aggregate classification (germline): Uncertain significance (1 of 4 stars; one submission).

Submission:

Labcorp Genetics (formerly Invitae), Labcorp
Classification: Uncertain significance. Last evaluated: 2021-12-25. Review status: criteria provided, single submitter. Criteria: Invitae Variant Classification Sherloc (09022015). Collection method: clinical testing. Allele origin: germline.
Comment: This sequence change replaces aspartic acid, which is acidic and polar, with asparagine, which is neutral and polar, at codon 951 of the ADGRV1 protein (p.Asp951Asn). This variant is not present in population databases (gnomAD no frequency). This variant has not been reported in the literature in individuals affected with ADGRV1-related conditions. Algorithms developed to predict the effect of missense changes on protein structure and function (SIFT, PolyPhen-2, Align-GVGD) all suggest that this variant is likely to be tolerated. In summary, the available evidence is currently insufficient to determine the role of this variant in disease. Therefore, it has been classified as a Variant of Uncertain Significance.

NM_032119.4(ADGRV1):c.2851G>A (p.Asp951Asn)

Gene: ADGRV1 (adhesion G protein-coupled receptor V1; plus strand). Cytogenetic location: 5q14.3.
Variant type: single nucleotide variant.
Coding change: c.2851G>A on transcript NM_032119.4 (MANE Select); coding-DNA position 2851, G replaced by A.
Protein change: p.Asp951Asn; replaces aspartic acid 951 with asparagine.
Molecular consequence: missense variant. On other transcripts: non-coding transcript variant (1).
Genome position (GRCh38, 1-based): chr5:90,644,822, G>A. VCF-style: chr5-90644822-G-A. GRCh37 (hg19) VCF-style: chr5-89940639-G-A.
Other names: short protein forms D951N.
Identifiers: ClinVar variation 2060361 (VCV002060361.4), dbSNP rs1352709134, ClinGen allele CA360391119.